The following is an entry in ClinVar:

ClinVar aggregate classification (germline): Uncertain significance (1 of 4 stars; one submission).

Conditions:
Cowden syndrome (CS). Also called: Cowden's disease; Cowden's syndrome; Cowden disease. Identifiers: Orphanet 201, MedGen C0018553, MONDO:0016063. Disease mechanism: gain of function.

Submission:

Labcorp Genetics (formerly Invitae), Labcorp
Classification: Uncertain significance for Cowden syndrome. Last evaluated: 2025-01-17. Review status: criteria provided, single submitter. Criteria: Invitae Variant Classification Sherloc (09022015). Collection method: clinical testing. Allele origin: germline.
Comment: This sequence change falls in intron 7 of the PIK3CA gene. It does not directly change the encoded amino acid sequence of the PIK3CA protein. It affects a nucleotide within the consensus splice site. This variant is present in population databases (no rsID available, gnomAD 0.006%). This variant has not been reported in the literature in individuals affected with PIK3CA-related conditions. Variants that disrupt the consensus splice site are a relatively common cause of aberrant splicing (PMID: 17576681, 9536098). Algorithms developed to predict the effect of sequence changes on RNA splicing suggest that this variant is not likely to affect RNA splicing. In summary, the available evidence is currently insufficient to determine the role of this variant in disease. Therefore, it has been classified as a Variant of Uncertain Significance.

Literature cited by the submitters: PubMed 17576681; PubMed 9536098.

NM_006218.4(PIK3CA):c.1251+5del

Gene: PIK3CA (phosphatidylinositol-4,5-bisphosphate 3-kinase catalytic subunit alpha; plus strand). Cytogenetic location: 3q26.32.
Variant type: Deletion.
Coding change: c.1251+5del on transcript NM_006218.4 (MANE Select); 5 bases into the intron after coding-DNA position 1251, one base deleted (A; older notation c.1251+5delA).
Molecular consequence: intron variant.
Genome position (GRCh38, 1-based): chr3:179,209,705, A deleted; the last of 3 consecutive A bases (chr3:179,209,703-179,209,705); deleting any one gives the same sequence. VCF-style (leftmost placement, unchanged base first): chr3-179209702-TA-T. GRCh37 (hg19) VCF-style: chr3-178927490-TA-T.
Identifiers: ClinVar variation 3703769 (VCV003703769.2).